The following is an entry in ClinVar:

NM_000492.4(CFTR):c.2598C>G (p.Cys866Trp)

Gene: CFTR (CF transmembrane conductance regulator; plus strand). Cytogenetic location: 7q31.2.
Variant type: single nucleotide variant.
Coding change: c.2598C>G on transcript NM_000492.4 (MANE Select); coding-DNA position 2598, C replaced by G.
Protein change: p.Cys866Trp; replaces cysteine 866 with tryptophan.
Molecular consequence: missense variant.
Genome position (GRCh38, 1-based): chr7:117,595,037, C>G. VCF-style: chr7-117595037-C-G. GRCh37 (hg19) VCF-style: chr7-117235091-C-G.
Other names: short protein forms C866W.
Identifiers: ClinVar variation 1793586 (VCV001793586.3), dbSNP rs1792099688, ClinGen allele CA368984040.

ClinVar aggregate classification (germline): Uncertain significance (1 of 4 stars; one submission).

Conditions:
Cystic fibrosis (CF). Also called: MUCOVISCIDOSIS. Identifiers: Orphanet 586, MedGen C0010674, MONDO:0009061, OMIM 219700. Disease mechanism: loss of function.

Allele frequency attached by ClinVar (database versions not stated): gnomAD exomes below 0.00001.
gnomAD v4.1: 3 of 1,612,360 alleles (0.00019%); highest among the groups gnomAD compares: Non-Finnish European, 0.00025%; no homozygotes.

Submission:

Ambry Genetics
Classification: Uncertain significance for Cystic fibrosis. Last evaluated: 2025-06-28. Review status: criteria provided, single submitter. Criteria: Ambry Variant Classification Scheme 2023. Collection method: clinical testing. Allele origin: germline.
Comment: The p.C866W variant (also known as c.2598C>G), located in coding exon 15 of the CFTR gene, results from a C to G substitution at nucleotide position 2598. The cysteine at codon 866 is replaced by tryptophan, an amino acid with highly dissimilar properties. This amino acid position is conserved. In addition, this alteration is predicted to be deleterious by in silico analysis. Since supporting evidence is limited at this time, the clinical significance of this alteration remains unclear.